The following is an entry in ClinVar:

ClinVar aggregate classification (germline): Uncertain significance (1 of 4 stars; one submission).

Conditions:
Granulomatous disease, chronic, autosomal recessive, cytochrome b-negative. Also called: GRANULOMATOUS DISEASE, CHRONIC, AUTOSOMAL RECESSIVE, 4; Chronic granulomatous disease, autosomal, due to deficiency of CYBA; CGD DUE TO DEFICIENCY OF THE ALPHA SUBUNIT OF CYTOCHROME b; CGD, AUTOSOMAL RECESSIVE CYTOCHROME b-NEGATIVE; CYBA DEFICIENCY. Identifiers: Orphanet 379, MedGen C1856255, MONDO:0009308, OMIM 233690.

Allele frequency attached by ClinVar (database versions not stated): gnomAD 0.00001.

Submission:

Labcorp Genetics (formerly Invitae), Labcorp
Classification: Uncertain significance for Granulomatous disease, chronic, autosomal recessive, cytochrome b-negative. Last evaluated: 2022-01-02. Review status: criteria provided, single submitter. Criteria: Invitae Variant Classification Sherloc (09022015). Collection method: clinical testing. Allele origin: germline.
Comment: This sequence change replaces alanine, which is neutral and non-polar, with glutamic acid, which is acidic and polar, at codon 117 of the CYBA protein (p.Ala117Glu). This variant is not present in population databases (gnomAD no frequency). This missense change has been observed in individual(s) with clinical features of chronic granulomatous disease (Invitae). Algorithms developed to predict the effect of missense changes on protein structure and function are either unavailable or do not agree on the potential impact of this missense change (SIFT: "Deleterious"; PolyPhen-2: "Probably Damaging"; Align-GVGD: "Class C0"). In summary, the available evidence is currently insufficient to determine the role of this variant in disease. Therefore, it has been classified as a Variant of Uncertain Significance.

NM_000101.4(CYBA):c.350C>A (p.Ala117Glu)

Gene: CYBA (cytochrome b-245 alpha chain; minus strand). Cytogenetic location: 16q24.2.
Variant type: single nucleotide variant.
Coding change: c.350C>A on transcript NM_000101.4 (MANE Select); coding-DNA position 350, C replaced by A.
Protein change: p.Ala117Glu; replaces alanine 117 with glutamic acid.
Molecular consequence: missense variant.
Genome position (GRCh38, 1-based): chr16:88,646,135, G>T on the plus strand (C>A on the coding strand, the complement: CYBA is on the minus strand). VCF-style: chr16-88646135-G-T. GRCh37 (hg19) VCF-style: chr16-88712543-G-T.
Other names: short protein forms A117E.
Identifiers: ClinVar variation 2176232 (VCV002176232.1), dbSNP rs868210009, ClinGen allele CA397062873.